The following is an entry in ClinVar:

NM_018263.6(ASXL2):c.1462C>A (p.Leu488Ile)

Gene: ASXL2 (ASXL transcriptional regulator 2; minus strand). Cytogenetic location: 2p23.3.
Variant type: single nucleotide variant.
Coding change: c.1462C>A on transcript NM_018263.6 (MANE Select); coding-DNA position 1462, C replaced by A.
Protein change: p.Leu488Ile; replaces leucine 488 with isoleucine.
Molecular consequence: missense variant.
Genome position (GRCh38, 1-based): chr2:25,750,094, G>T on the plus strand (C>A on the coding strand, the complement: ASXL2 is on the minus strand). VCF-style: chr2-25750094-G-T. GRCh37 (hg19) VCF-style: chr2-25972963-G-T.
Other names: c.1288C>A, p.Leu430Ile (NM_001369346.1); c.682C>A, p.Leu228Ile (NM_001369347.1); short protein forms L228I, L430I, L488I.
Identifiers: ClinVar variation 2637020 (VCV002637020.1), dbSNP rs2465314747, ClinGen allele CA346075938.

ClinVar aggregate classification (germline): Uncertain significance (1 of 4 stars; one submission).

Conditions:
ASXL2-related disorder. Also called: ASXL2-related condition.

Allele frequency attached by ClinVar (database versions not stated): gnomAD exomes below 0.00001.
gnomAD v4.1: 2 of 1,613,926 alleles (0.00012%); highest among the groups gnomAD compares: Non-Finnish European, 0.00017%; no homozygotes.

Submission:

PreventionGenetics, part of Exact Sciences
Classification: Uncertain significance for ASXL2-related condition. Last evaluated: 2022-11-04. Review status: criteria provided, single submitter. Criteria: ACMG Guidelines, 2015. Collection method: clinical testing. Allele origin: germline.
Comment: The ASXL2 c.1462C>A variant is predicted to result in the amino acid substitution p.Leu488Ile. To our knowledge, this variant has not been reported in the literature or in a large population database, indicating this variant is rare. At this time, the clinical significance of this variant is uncertain due to the absence of conclusive functional and genetic evidence.